The following is an entry in ClinVar:

NM_000260.4(MYO7A):c.3286-7C>T

Gene: MYO7A (myosin VIIA; plus strand). Cytogenetic location: 11q13.5.
Variant type: single nucleotide variant.
Coding change: c.3286-7C>T on transcript NM_000260.4 (MANE Select); 7 bases into the intron before coding-DNA position 3286, C replaced by T.
Molecular consequence: intron variant.
Genome position (GRCh38, 1-based): chr11:77,183,061, C>T. VCF-style: chr11-77183061-C-T. GRCh37 (hg19) VCF-style: chr11-76894106-C-T.
Other names: c.3253-7C>T (NM_001369365.1); c.3286-7C>T (NM_001127180.2, NM_000260.3).
Identifiers: ClinVar variation 1670404 (VCV001670404.9), dbSNP rs1210385374, ClinGen allele CA600345888.

ClinVar aggregate classification (germline): Likely benign. Review status: criteria provided, multiple submitters, no conflicts (2 of 4 stars). 2 submissions from 2 submitters: Likely benign (2). Last evaluated 2026-06-08.

Conditions:
MYO7A-related disorder. Also called: MYO7A-related disorders.

Allele frequency attached by ClinVar (database versions not stated): gnomAD exomes below 0.00001 and 0.00001; TOPMed 0.00001; gnomAD 0.00002.
gnomAD v4.1: 4 of 1,550,524 alleles (0.00026%); highest among the groups gnomAD compares: African/African-American, 0.0055%; no homozygotes.

Submissions (2):

PreventionGenetics, part of Exact Sciences
Classification: Likely benign for MYO7A-related condition. Last evaluated: 2026-06-08. Review status: criteria provided, single submitter. Criteria: ACMG Guidelines, 2015. Collection method: clinical testing. Allele origin: germline.
Comment: This variant is classified as likely benign based on ACMG/AMP sequence variant interpretation guidelines (Richards et al. 2015 PMID: 25741868, with internal and published modifications).

Labcorp Genetics (formerly Invitae), Labcorp
Classification: Likely benign. Last evaluated: 2024-05-15. Review status: criteria provided, single submitter. Criteria: Invitae Variant Classification Sherloc (09022015). Collection method: clinical testing. Allele origin: germline.